The following is an entry in ClinVar:

NM_024301.5(FKRP):c.893G>C (p.Gly298Ala)

Gene: FKRP (fukutin related protein; plus strand). Cytogenetic location: 19q13.32.
Variant type: single nucleotide variant.
Coding change: c.893G>C on transcript NM_024301.5 (MANE Select); coding-DNA position 893, G replaced by C.
Protein change: p.Gly298Ala; replaces glycine 298 with alanine.
Molecular consequence: missense variant.
Genome position (GRCh38, 1-based): chr19:46,756,343, G>C. VCF-style: chr19-46756343-G-C. GRCh37 (hg19) VCF-style: chr19-47259600-G-C.
Other names: c.893G>C, p.Gly298Ala (NM_001039885.3); c.893G>C (NM_024301.4); short protein forms G298A.
Identifiers: ClinVar variation 1024939 (VCV001024939.8), dbSNP rs921829148, ClinGen allele CA309099554.

ClinVar aggregate classification (germline): Uncertain significance. Review status: criteria provided, multiple submitters, no conflicts (2 of 4 stars). 4 submissions from 4 submitters: Uncertain significance (3). 1 of the submissions does not count toward it. Last evaluated 2022-09-01.

Conditions:
Cardiovascular phenotype. Identifiers: MedGen CN230736.
Muscular dystrophy-dystroglycanopathy (congenital with brain and eye anomalies), type A5. Also called: WALKER-WARBURG SYNDROME OR MUSCLE-EYE-BRAIN DISEASE, FKRP-RELATED; MUSCULAR DYSTROPHY-DYSTROGLYCANOPATHY (CONGENITAL WITH BRAIN AND EYE ANOMALIES), TYPE A, 5. Identifiers: Orphanet 588, Orphanet 899, MedGen C3150413, MONDO:0013157, OMIM 613153.
Autosomal recessive limb-girdle muscular dystrophy type 2I. Also called: MUSCULAR DYSTROPHY-DYSTROGLYCANOPATHY, LIMB-GIRDLE, FRKP-RELATED; MUSCULAR DYSTROPHY, LIMB-GIRDLE, TYPE 2I; MUSCULAR DYSTROPHY-DYSTROGLYCANOPATHY (LIMB-GIRDLE), TYPE C, 5. Identifiers: Orphanet 34515, MedGen C1846672, MONDO:0011787, OMIM 607155.
Muscular dystrophy-dystroglycanopathy type B5 (MDDGB5). Also called: MUSCULAR DYSTROPHY, CONGENITAL, 1C; MUSCULAR DYSTROPHY, CONGENITAL, FKRP-RELATED; MUSCULAR DYSTROPHY-DYSTROGLYCANOPATHY (CONGENITAL WITH OR WITHOUT IMPAIRED INTELLECTUAL DEVELOPMENT), TYPE B, 5. Identifiers: MedGen C1847759, MONDO:0011688, OMIM 606612.
Muscular dystrophy-dystroglycanopathy (congenital with brain and eye anomalies), type A1 (MDDGA1). Also called: WALKER-WARBURG SYNDROME OR MUSCLE-EYE-BRAIN DISEASE, POMT1-RELATED; Muscular dystrophy-dystroglycanopathy (congenital with brain and eye anomalies), type A, 1; COD-MD SYNDROME; Hydrocephalus, agyria and retinal dysplasia; Hard +/- E syndrome; Warburg syndrome. Identifiers: Orphanet 588, Orphanet 899, MedGen C4284790, MONDO:0009364, OMIM 236670.
Walker-Warburg congenital muscular dystrophy. Also called: Muscular dystrophy-dystroglycanopathy, type A; Walker-Warburg syndrome. Identifiers: Orphanet 899, MedGen C0265221, MONDO:0000171.

Allele frequency attached by ClinVar (database versions not stated): gnomAD exomes 0.00001; gnomAD 0.00002; TOPMed 0.00004.

Submissions (4):

Labcorp Genetics (formerly Invitae), Labcorp
Classification: Uncertain significance for Walker-Warburg congenital muscular dystrophy. Last evaluated: 2022-09-01. Review status: criteria provided, single submitter. Criteria: Invitae Variant Classification Sherloc (09022015). Collection method: clinical testing. Allele origin: germline.
Comment: This sequence change replaces glycine, which is neutral and non-polar, with alanine, which is neutral and non-polar, at codon 298 of the FKRP protein (p.Gly298Ala). This variant is present in population databases (no rsID available, gnomAD 0.01%). This variant has not been reported in the literature in individuals affected with FKRP-related conditions. ClinVar contains an entry for this variant (Variation ID: 1024939). Algorithms developed to predict the effect of missense changes on protein structure and function are either unavailable or do not agree on the potential impact of this missense change (SIFT: "Deleterious"; PolyPhen-2: "Benign"; Align-GVGD: "Class C0"). In summary, the available evidence is currently insufficient to determine the role of this variant in disease. Therefore, it has been classified as a Variant of Uncertain Significance.

Fulgent Genetics
Classification: Uncertain significance for Muscular dystrophy-dystroglycanopathy (congenital with brain and eye anomalies), type A1; Muscular dystrophy-dystroglycanopathy type B5; Autosomal recessive limb-girdle muscular dystrophy type 2I; Muscular dystrophy-dystroglycanopathy (congenital with brain and eye anomalies), type A5. Last evaluated: 2021-09-08. Review status: criteria provided, single submitter. Criteria: ACMG Guidelines, 2015. Collection method: clinical testing. Allele origin: unknown.

Ambry Genetics
Classification: Uncertain significance for Cardiovascular phenotype. Last evaluated: 2019-03-13. Review status: criteria provided, single submitter. Criteria: Ambry Variant Classification Scheme 2023. Collection method: clinical testing. Allele origin: germline.
Comment: The p.G298A variant (also known as c.893G>C), located in coding exon 1 of the FKRP gene, results from a G to C substitution at nucleotide position 893. The glycine at codon 298 is replaced by alanine, an amino acid with similar properties. This amino acid position is well conserved in available vertebrate species. In addition, the in silico prediction for this alteration is inconclusive. Since supporting evidence is limited at this time, the clinical significance of this alteration remains unclear.

Natera, Inc.
Classification: Uncertain significance for Limb-girdle muscular dystrophy type 2I. Last evaluated: 2021-01-12. Review status: no assertion criteria provided. Collection method: clinical testing. Allele origin: germline. Not counted in ClinVar's aggregate classification.